The following is an entry in ClinVar:

ClinVar aggregate classification (germline): Uncertain significance (1 of 4 stars; one submission).

Conditions:
Familial adenomatous polyposis 1 (FAP1). Also called: FAMILIAL ADENOMATOUS POLYPOSIS 1, ATTENUATED; POLYPOSIS, ADENOMATOUS INTESTINAL. Identifiers: MedGen C2713442, MONDO:0021056, OMIM 175100. Disease mechanism: loss of function.

Submission:

Labcorp Genetics (formerly Invitae), Labcorp
Classification: Uncertain significance for Familial adenomatous polyposis 1. Last evaluated: 2025-09-10. Review status: criteria provided, single submitter. Criteria: Invitae Variant Classification Sherloc (09022015). Collection method: clinical testing. Allele origin: germline.
Comment: This sequence change replaces isoleucine, which is neutral and non-polar, with asparagine, which is neutral and polar, at codon 2233 of the APC protein (p.Ile2233Asn). This variant is not present in population databases (gnomAD no frequency). This variant has not been reported in the literature in individuals affected with APC-related conditions. Invitae Evidence Modeling of protein sequence and biophysical properties (such as structural, functional, and spatial information, amino acid conservation, physicochemical variation, residue mobility, and thermodynamic stability) indicates that this missense variant is not expected to disrupt APC protein function with a negative predictive value of 95%. In summary, the available evidence is currently insufficient to determine the role of this variant in disease. Therefore, it has been classified as a Variant of Uncertain Significance.

NM_000038.6(APC):c.6698T>A (p.Ile2233Asn)

Gene: APC (APC regulator of Wnt signaling pathway; plus strand). Cytogenetic location: 5q22.2.
Variant type: single nucleotide variant.
Coding change: c.6698T>A on transcript NM_000038.6 (MANE Select); coding-DNA position 6698, T replaced by A.
Protein change: p.Ile2233Asn; replaces isoleucine 2233 with asparagine.
Molecular consequence: missense variant. On other transcripts: non-coding transcript variant (2).
Genome position (GRCh38, 1-based): chr5:112,842,292, T>A. VCF-style: chr5-112842292-T-A. GRCh37 (hg19) VCF-style: chr5-112177989-T-A.
Other names: c.6698T>A, p.Ile2233Asn (NM_001127510.3, NM_001354895.2, NM_001407450.1); c.6644T>A, p.Ile2215Asn (NM_001127511.3); c.6752T>A, p.Ile2251Asn (NM_001354896.2, NM_001407447.1, NM_001407448.1 and 1 more transcripts); c.6728T>A, p.Ile2243Asn (NM_001354897.2); c.6623T>A, p.Ile2208Asn (NM_001354898.2); c.6614T>A, p.Ile2205Asn (NM_001354899.2); c.6575T>A, p.Ile2192Asn (NM_001354900.2); c.6521T>A, p.Ile2174Asn (NM_001354901.2, NM_001407453.1); and 11 more; short protein forms I1849N, I1950N, I2073N, I2104N, I2107N, I2132N, I2142N, I2150N.
Identifiers: ClinVar variation 4801512 (VCV004801512.1).